The following is an entry in ClinVar:

NM_004360.5(CDH1):c.2191C>T (p.Leu731Phe)

Gene: CDH1 (cadherin 1; plus strand). Cytogenetic location: 16q22.1.
Variant type: single nucleotide variant.
Coding change: c.2191C>T on transcript NM_004360.5 (MANE Select); coding-DNA position 2191, C replaced by T.
Protein change: p.Leu731Phe; replaces leucine 731 with phenylalanine.
Molecular consequence: missense variant.
Genome position (GRCh38, 1-based): chr16:68,828,200, C>T. VCF-style: chr16-68828200-C-T. GRCh37 (hg19) VCF-style: chr16-68862103-C-T.
Other names: c.2191C>T (LRG_301t1); c.2008C>T, p.Leu670Phe (NM_001317184.2); c.643C>T, p.Leu215Phe (NM_001317185.2); c.226C>T, p.Leu76Phe (NM_001317186.2); short protein forms L731F, L215F, L76F, L670F.
Identifiers: ClinVar variation 406649 (VCV000406649.12), dbSNP rs1060501235, ClinGen allele CA16614989.

ClinVar aggregate classification (germline): Uncertain significance. Review status: criteria provided, multiple submitters, no conflicts (2 of 4 stars). 2 submissions from 2 submitters: Uncertain significance (2). Last evaluated 2025-10-07.

Conditions:
Hereditary cancer-predisposing syndrome. Also called: Tumor predisposition; Neoplastic Syndromes, Hereditary; Hereditary Cancer Syndrome; Hereditary neoplastic syndrome. Identifiers: Orphanet 140162, MedGen C0027672, MeSH D009386, MONDO:0015356.
Hereditary diffuse gastric adenocarcinoma (HDGC). Also called: DIFFUSE GASTRIC AND LOBULAR BREAST CANCER SYNDROME. Identifiers: Orphanet 26106, MedGen C1708349, MONDO:0007648, OMIM 137215.

Submissions (2):

Ambry Genetics
Classification: Uncertain significance for Hereditary cancer-predisposing syndrome. Last evaluated: 2025-10-07. Review status: criteria provided, single submitter. Criteria: Ambry Variant Classification Scheme 2023. Collection method: clinical testing. Allele origin: germline.
Comment: The p.L731F variant (also known as c.2191C>T), located in coding exon 14 of the CDH1 gene, results from a C to T substitution at nucleotide position 2191. The leucine at codon 731 is replaced by phenylalanine, an amino acid with highly similar properties. This amino acid position is not well conserved in available vertebrate species. In addition, this alteration is predicted to be tolerated by in silico analysis. Based on the available evidence, the clinical significance of this variant remains unclear.

Labcorp Genetics (formerly Invitae), Labcorp
Classification: Uncertain significance for Hereditary diffuse gastric adenocarcinoma. Last evaluated: 2025-02-17. Review status: criteria provided, single submitter. Criteria: Invitae Variant Classification Sherloc (09022015). Collection method: clinical testing. Allele origin: germline.
Comment: This sequence change replaces leucine, which is neutral and non-polar, with phenylalanine, which is neutral and non-polar, at codon 731 of the CDH1 protein (p.Leu731Phe). This variant is not present in population databases (gnomAD no frequency). This variant has not been reported in the literature in individuals affected with CDH1-related conditions. ClinVar contains an entry for this variant (Variation ID: 406649). An algorithm developed to predict the effect of missense changes on protein structure and function (PolyPhen-2) suggests that this variant is likely to be tolerated. In summary, the available evidence is currently insufficient to determine the role of this variant in disease. Therefore, it has been classified as a Variant of Uncertain Significance.